The following is an entry in ClinVar:

ClinVar aggregate classification (germline): Pathogenic (1 of 4 stars; one submission).

Conditions:
Lynch syndrome 5 (LYNCH5). Also called: Colorectal cancer, hereditary nonpolyposis, type 5; Hereditary non-polyposis colorectal cancer, type 5. Identifiers: Orphanet 144, MedGen C1833477, MONDO:0013710, OMIM 614350. Disease mechanism: loss of function.

Submission:

Myriad Genetics, Inc.
Classification: Pathogenic for Lynch syndrome 5. Last evaluated: 2023-08-17. Review status: criteria provided, single submitter. Criteria: Myriad Autosomal Dominant, Autosomal Recessive and X-Linked Classification Criteria (2023). Collection method: clinical testing. Allele origin: unknown.
Comment: This variant is considered pathogenic. This variant creates a termination codon and is predicted to result in premature protein truncation.

NM_000179.3(MSH6):c.2440A>T (p.Lys814Ter)

Gene: MSH6 (mutS homolog 6; plus strand). Cytogenetic location: 2p16.3.
Variant type: single nucleotide variant.
Coding change: c.2440A>T on transcript NM_000179.3 (MANE Select); coding-DNA position 2440, A replaced by T.
Protein change: p.Lys814Ter; replaces lysine 814 with a stop codon.
Molecular consequence: nonsense. On other transcripts: non-coding transcript variant (5), intron variant (3).
Genome position (GRCh38, 1-based): chr2:47,800,423, A>T. VCF-style: chr2-47800423-A-T. GRCh37 (hg19) VCF-style: chr2-48027562-A-T.
Other names: c.2050A>T, p.Lys684Ter (NM_001281492.2); c.1534A>T, p.Lys512Ter (NM_001281493.2, NM_001281494.2, NM_001406811.1 and 6 more transcripts); c.2536A>T, p.Lys846Ter (NM_001406795.1, NM_001406802.1); c.2440A>T, p.Lys814Ter (NM_001406796.1, NM_001406798.1, NM_001406800.1 and 2 more transcripts); c.2143A>T, p.Lys715Ter (NM_001406797.1, NM_001406801.1, NM_001406805.1 and 10 more transcripts); c.1915A>T, p.Lys639Ter (NM_001406799.1, NM_001406806.1, NM_001406807.1); c.2362A>T, p.Lys788Ter (NM_001406804.1); c.2446A>T, p.Lys816Ter (NM_001406813.1); and 4 more; short protein forms K512*, K639*, K684*, K715*, K758*, K788*, K814*, K816*.
Identifiers: ClinVar variation 2673660 (VCV002673660.1), dbSNP rs1064793190, ClinGen allele CA346754049.
Genomic context (GRCh38, chr2:47,800,423, plus strand): 5'-GCCATAGAAGACCTCATGGTTGTGCCTGACAAAATCTCCGAAGTTGTAGAGCTTCTAAAG[A>T]AGCTTCCAGATCTTGAGAGGCTACTCAGTAAAATTCATAATGTTGGGTCTCCCCTGAAGA-3'